The following is an entry in ClinVar:

ClinVar aggregate classification (germline): Likely pathogenic. Review status: criteria provided, multiple submitters, no conflicts (2 of 4 stars). 2 submissions from 2 submitters: Likely pathogenic (2). Last evaluated 2025-03-19.

Conditions:
X-linked Alport syndrome (ATS1). Also called: COL4A5-Related Nephropathy; NEPHROPATHY AND DEAFNESS, X-LINKED. Identifiers: Orphanet 63, Orphanet 88917, MedGen C4746986, MONDO:0010520, OMIM 301050.

Submissions (2):

Labcorp Genetics (formerly Invitae), Labcorp
Classification: Likely pathogenic. Last evaluated: 2025-03-19. Review status: criteria provided, single submitter. Criteria: Invitae Variant Classification Sherloc (09022015). Collection method: clinical testing. Allele origin: germline.
Comment: This sequence change replaces glycine, which is neutral and non-polar, with arginine, which is basic and polar, at codon 386 of the COL4A5 protein (p.Gly386Arg). This variant is not present in population databases (gnomAD no frequency). This missense change has been observed in individual(s) with X-linked Alport syndrome (PMID: 37225412). ClinVar contains an entry for this variant (Variation ID: 3597887). Invitae Evidence Modeling of protein sequence and biophysical properties (such as structural, functional, and spatial information, amino acid conservation, physicochemical variation, residue mobility, and thermodynamic stability) indicates that this missense variant is expected to disrupt COL4A5 protein function with a positive predictive value of 95%. This variant disrupts the triple helix domain of COL4A5. Glycine residues within the Gly-Xaa-Yaa repeats of the triple helix domain are required for the structure and stability of fibrillar collagens (PMID: 7695699, 8218237, 19344236). In COL4A5, missense variants at these glycine residues are significantly enriched in individuals with disease (PMID: 23720012, 27627812) compared to the general population (ExAC). In summary, the currently available evidence indicates that the variant is pathogenic, but additional data are needed to prove that conclusively. Therefore, this variant has been classified as Likely Pathogenic.

Fulgent Genetics
Classification: Likely pathogenic for X-linked Alport syndrome. Last evaluated: 2024-03-01. Review status: criteria provided, single submitter. Criteria: ACMG Guidelines, 2015. Collection method: clinical testing. Allele origin: germline.

Literature cited by the submitters: PubMed 37225412 (cited by Labcorp Genetics (formerly Invitae), Labcorp); PubMed 7695699 (cited by Labcorp Genetics (formerly Invitae), Labcorp); PubMed 8218237 (cited by Labcorp Genetics (formerly Invitae), Labcorp); PubMed 19344236 (cited by Labcorp Genetics (formerly Invitae), Labcorp); PubMed 23720012 (cited by Labcorp Genetics (formerly Invitae), Labcorp); PubMed 27627812 (cited by Labcorp Genetics (formerly Invitae), Labcorp).

NM_033380.3(COL4A5):c.1156G>A (p.Gly386Arg)

Gene: COL4A5 (collagen type IV alpha 5 chain; plus strand). Cytogenetic location: Xq22.3.
Variant type: single nucleotide variant.
Coding change: c.1156G>A on transcript NM_033380.3 (MANE Select); coding-DNA position 1156, G replaced by A.
Protein change: p.Gly386Arg; replaces glycine 386 with arginine.
Molecular consequence: missense variant.
Genome position (GRCh38, 1-based): chrX:108,586,738, G>A. VCF-style: chrX-108586738-G-A. GRCh37 (hg19) VCF-style: chrX-107829968-G-A.
Other names: c.1156G>A, p.Gly386Arg (NM_000495.5); short protein forms G386R.
Identifiers: ClinVar variation 3597887 (VCV003597887.2).